The following is an entry in ClinVar:

NM_001372106.1(DNAH10):c.2172A>G (p.Gln724=)

Gene: DNAH10 (dynein axonemal heavy chain 10; plus strand). Cytogenetic location: 12q24.31.
Variant type: single nucleotide variant.
Coding change: c.2172A>G on transcript NM_001372106.1 (MANE Select); coding-DNA position 2172, A replaced by G.
Protein change: p.Gln724=; no amino-acid change (glutamine 724 retained).
Molecular consequence: synonymous variant.
Genome position (GRCh38, 1-based): chr12:123,799,254, A>G. VCF-style: chr12-123799254-A-G. GRCh37 (hg19) VCF-style: chr12-124283801-A-G.
Other names: c.1818A>G, p.Gln606= (NM_207437.3).
Identifiers: ClinVar variation 770417 (VCV000770417.28), dbSNP rs118049936, ClinGen allele CA6862945.

ClinVar aggregate classification (germline): Benign. Review status: criteria provided, multiple submitters, no conflicts (2 of 4 stars). 3 submissions from 3 submitters: Benign (3). Last evaluated 2024-11-01.

Allele frequency attached by ClinVar (database versions not stated): 1000 Genomes Project 0.00379; 1000 Genomes Project 30x 0.00437; TOPMed 0.00564; ESP Exome Variant Server 0.00623; ExAC 0.00670; gnomAD exomes 0.00675 and 0.00990; gnomAD 0.00695 and 0.00720.
gnomAD v4.1: 15,287 of 1,607,032 alleles (0.95%); highest among the groups gnomAD compares: Non-Finnish European, 1.1%; 115 homozygotes.

Submissions (3):

CeGaT Center for Human Genetics Tuebingen
Classification: Benign. Last evaluated: 2024-11-01. Review status: criteria provided, single submitter. Criteria: CeGaT Center For Human Genetics Tuebingen Variant Classification Criteria Version 2. Collection method: clinical testing. Allele origin: germline. Affected: yes. Observed: 3 variant alleles.
Comment: DNAH10: BP4, BP7, BS1, BS2

Labcorp Genetics (formerly Invitae), Labcorp
Classification: Benign. Last evaluated: 2019-12-31. Review status: criteria provided, single submitter. Criteria: Invitae Variant Classification Sherloc (09022015). Collection method: clinical testing. Allele origin: germline.

Breakthrough Genomics
Classification: Benign. Review status: criteria provided, single submitter. Criteria: ACMG Guidelines, 2015. Collection method: not provided. Allele origin: germline. Inheritance: Autosomal recessive inheritance. Affected: yes.